The following is an entry in ClinVar:

ClinVar aggregate classification (germline): Uncertain significance (1 of 4 stars; one submission).

Conditions:
Autosomal recessive polycystic kidney disease (ARPKD). Also called: AR polycystic kidney disease. Identifiers: Orphanet 731, Orphanet 8378, MedGen C0085548, MeSH D017044, MONDO:0009889.

Submission:

Labcorp Genetics (formerly Invitae), Labcorp
Classification: Uncertain significance for Autosomal recessive polycystic kidney disease. Last evaluated: 2021-11-02. Review status: criteria provided, single submitter. Criteria: Invitae Variant Classification Sherloc (09022015). Collection method: clinical testing. Allele origin: germline.
Comment: This sequence change replaces threonine, which is neutral and polar, with serine, which is neutral and polar, at codon 2788 of the PKHD1 protein (p.Thr2788Ser). This variant is not present in population databases (gnomAD no frequency). This variant has not been reported in the literature in individuals affected with PKHD1-related conditions. Advanced modeling of protein sequence and biophysical properties (such as structural, functional, and spatial information, amino acid conservation, physicochemical variation, residue mobility, and thermodynamic stability) performed at Invitae indicates that this missense variant is not expected to disrupt PKHD1 protein function. In summary, the available evidence is currently insufficient to determine the role of this variant in disease. Therefore, it has been classified as a Variant of Uncertain Significance.

NM_138694.4(PKHD1):c.8363C>G (p.Thr2788Ser)

Gene: PKHD1 (PKHD1 ciliary IPT domain containing fibrocystin/polyductin; minus strand). Cytogenetic location: 6p12.3.
Variant type: single nucleotide variant.
Coding change: c.8363C>G on transcript NM_138694.4 (MANE Select); coding-DNA position 8363, C replaced by G.
Protein change: p.Thr2788Ser; replaces threonine 2788 with serine.
Molecular consequence: missense variant.
Genome position (GRCh38, 1-based): chr6:51,791,313, G>C on the plus strand (C>G on the coding strand, the complement: PKHD1 is on the minus strand). VCF-style: chr6-51791313-G-C. GRCh37 (hg19) VCF-style: chr6-51656111-G-C.
Other names: c.8363C>G, p.Thr2788Ser (NM_170724.3); short protein forms T2788S.
Identifiers: ClinVar variation 1513085 (VCV001513085.3), dbSNP rs2151262384, ClinGen allele CA364416473.